The following is an entry in ClinVar:

ClinVar aggregate classification (germline): Pathogenic. Review status: criteria provided, multiple submitters, no conflicts (2 of 4 stars). 2 submissions from 2 submitters: Pathogenic (2). Last evaluated 2022-06-23.

Conditions:
Heimler syndrome 2 (HMLR2). Also called: PEROXISOME BIOGENESIS DISORDER 4C. Identifiers: Orphanet 3220, MedGen C4225267, OMIM 616617, MONDO:0014709.
Peroxisome biogenesis disorder 4A (Zellweger) (PBD4A). Also called: Zellweger syndrome spectrum (PEX6-related). Identifiers: Orphanet 912, MedGen C3553936, MONDO:0013930, OMIM 614862. Disease mechanism: loss of function.
Peroxisome biogenesis disorder 4B (PBD4B). Also called: SPINOCEREBELLAR ATAXIA WITH BLINDNESS AND DEAFNESS 1. Identifiers: Orphanet 44, Orphanet 95433, MedGen C3553937, MONDO:0013931, OMIM 614863.
Peroxisome biogenesis disorder. Identifiers: Orphanet 79189, MedGen C1832200, MONDO:0019234. Disease mechanism: loss of function.

Allele frequency attached by ClinVar (database versions not stated): gnomAD exomes below 0.00001.
gnomAD v4.1: 1 of 1,614,042 alleles (0.000062%); highest among the groups gnomAD compares: East Asian, 0.0022%; no homozygotes.

Submissions (2):

Labcorp Genetics (formerly Invitae), Labcorp
Classification: Pathogenic for Peroxisome biogenesis disorder. Last evaluated: 2022-06-23. Review status: criteria provided, single submitter. Criteria: Invitae Variant Classification Sherloc (09022015). Collection method: clinical testing. Allele origin: germline.
Comment: For these reasons, this variant has been classified as Pathogenic. ClinVar contains an entry for this variant (Variation ID: 954112). This premature translational stop signal has been observed in individual(s) with Zellweger spectrum disorder (PMID: 31555682). This variant is present in population databases (no rsID available, gnomAD 0.006%). This sequence change creates a premature translational stop signal (p.Cys358*) in the PEX6 gene. It is expected to result in an absent or disrupted protein product. Loss-of-function variants in PEX6 are known to be pathogenic (PMID: 8670792, 19877282, 21031596).

Juno Genomics, Hangzhou Juno Genomics, Inc
Classification: Pathogenic for Heimler syndrome 2; Peroxisome biogenesis disorder 4A (Zellweger); Peroxisome biogenesis disorder 4B. Review status: criteria provided, single submitter. Criteria: ACMG Guidelines, 2015. Collection method: clinical testing. Allele origin: germline. Affected: yes.
Comment: Absent from controls (or at extremely low frequency if recessive) in Genome Aggregation Database, Exome Sequencing Project, 1000 Genomes Project, or Exome Aggregation Consortium.;Null variant in a gene where loss of function (LOF) is a known mechanism of disease.;Patient's phenotype or family history is highly specific for a disease with a single genetic etiology.

Literature cited by the submitters: PubMed 31555682 (cited by Labcorp Genetics (formerly Invitae), Labcorp); PubMed 8670792 (cited by Labcorp Genetics (formerly Invitae), Labcorp); PubMed 19877282 (cited by Labcorp Genetics (formerly Invitae), Labcorp); PubMed 21031596 (cited by Labcorp Genetics (formerly Invitae), Labcorp).

NM_000287.4(PEX6):c.1074T>A (p.Cys358Ter)

Gene: PEX6 (peroxisomal biogenesis factor 6; minus strand). Cytogenetic location: 6p21.1.
Variant type: single nucleotide variant.
Coding change: c.1074T>A on transcript NM_000287.4 (MANE Select); coding-DNA position 1074, T replaced by A.
Protein change: p.Cys358Ter; replaces cysteine 358 with a stop codon.
Molecular consequence: nonsense. On other transcripts: non-coding transcript variant (1).
Genome position (GRCh38, 1-based): chr6:42,974,059, A>T on the plus strand (T>A on the coding strand, the complement: PEX6 is on the minus strand). VCF-style: chr6-42974059-A-T. GRCh37 (hg19) VCF-style: chr6-42941797-A-T.
Other names: c.810T>A, p.Cys270Ter (NM_001316313.2); short protein forms C270*, C358*.
Identifiers: ClinVar variation 954112 (VCV000954112.10), dbSNP rs1478799269, ClinGen allele CA364158401.
Genomic context (GRCh38, chr6:42,974,059, plus strand): 5'-ATACCTGGGCAGTTTCTCTGGACTTCCTTCCAGGATCTCTACTTGCCCAATTGTTGGCAC[A>T]CATAGAACATCCCCTTCCTGGACTACCCTGCAACACAGCAGTGGCCCTGGTCAGGTCACA-3'